The following is an entry in ClinVar:

ClinVar aggregate classification (germline): Uncertain significance. Review status: criteria provided, multiple submitters, no conflicts (2 of 4 stars). 2 submissions from 2 submitters: Uncertain significance (2). Last evaluated 2025-10-22.

Allele frequency attached by ClinVar (database versions not stated): gnomAD 0.00001; TOPMed below 0.00001; ExAC 0.00002.
gnomAD v4.1: 42 of 1,614,030 alleles (0.0026%); highest among the groups gnomAD compares: South Asian, 0.0055%; no homozygotes.

Submissions (2):

Ambry Genetics
Classification: Uncertain significance. Last evaluated: 2025-10-22. Review status: criteria provided, single submitter. Criteria: Ambry Variant Classification Scheme 2023. Collection method: clinical testing. Allele origin: germline.

Labcorp Genetics (formerly Invitae), Labcorp
Classification: Uncertain significance. Last evaluated: 2023-11-27. Review status: criteria provided, single submitter. Criteria: Invitae Variant Classification Sherloc (09022015). Collection method: clinical testing. Allele origin: germline.
Comment: This sequence change replaces proline, which is neutral and non-polar, with leucine, which is neutral and non-polar, at codon 33 of the MCM4 protein (p.Pro33Leu). This variant is present in population databases (rs755898364, gnomAD 0.003%). This variant has not been reported in the literature in individuals affected with MCM4-related conditions. ClinVar contains an entry for this variant (Variation ID: 1043748). An algorithm developed to predict the effect of missense changes on protein structure and function (PolyPhen-2) suggests that this variant¬†is likely to be tolerated. In summary, the available evidence is currently insufficient to determine the role of this variant in disease. Therefore, it has been classified as a Variant of Uncertain Significance.

NM_182746.3(MCM4):c.98C>T (p.Pro33Leu)

Gene: MCM4 (minichromosome maintenance complex component 4; plus strand). Cytogenetic location: 8q11.21.
Variant type: single nucleotide variant.
Coding change: c.98C>T on transcript NM_182746.3 (MANE Select); coding-DNA position 98, C replaced by T.
Protein change: p.Pro33Leu; replaces proline 33 with leucine.
Molecular consequence: missense variant.
Genome position (GRCh38, 1-based): chr8:47,961,543, C>T. VCF-style: chr8-47961543-C-T. GRCh37 (hg19) VCF-style: chr8-48874103-C-T.
Other names: c.98C>T (NM_005914.3); c.98C>T, p.Pro33Leu (NM_005914.4); short protein forms P33L.
Identifiers: ClinVar variation 1043748 (VCV001043748.7), dbSNP rs755898364, ClinGen allele CA4742184.
Genomic context (GRCh38, chr8:47,961,543, plus strand): 5'-AATGGCTGTCTTTTCTGTTTTGTGTGACACAAGCTCGGAGTGAGGATGCCAGGTCATCTC[C>T]CTCTCAGAGACGTAGAGGCGAGGATTCCACCTCCACGGGGGAGTTGCAGCCGATGCCAAC-3'
Protein context (NP_877423.1, residues 23-43): TPRSEDARSS[Pro33Leu]SQRRRGEDST